The following is an entry in ClinVar:

NM_024407.5(NDUFS7):c.455+197A>G

Gene: NDUFS7 (NADH:ubiquinone oxidoreductase core subunit S7; plus strand). Cytogenetic location: 19p13.3.
Variant type: single nucleotide variant.
Coding change: c.455+197A>G on transcript NM_024407.5 (MANE Select); 197 bases into the intron after coding-DNA position 455, A replaced by G.
Molecular consequence: intron variant.
Genome position (GRCh38, 1-based): chr19:1,391,362, A>G. VCF-style: chr19-1391362-A-G. GRCh37 (hg19) VCF-style: chr19-1391361-A-G.
Other names: c.455+197A>G (NM_001363602.2).
Identifiers: ClinVar variation 683141 (VCV000683141.2), dbSNP rs2074898, ClinGen allele CA15941078.
Genomic context (GRCh38, chr19:1,391,362, plus strand): 5'-CTCGGTGCCTCCACCCTAGGCAGATGCGCTGGTGGGCCTCTCCCCAGAACGATTCCTCCC[A>G]TCCACCCCCACGCAGCAGACCCCACATTCCGCCCAGTTCTCTGCTTTACTCACACATAAG-3'

ClinVar aggregate classification (germline): Benign. Review status: criteria provided, multiple submitters, no conflicts (2 of 4 stars). 2 submissions from 2 submitters: Benign (2). Last evaluated 2018-06-14.

Allele frequency attached by ClinVar (database versions not stated): gnomAD 0.64590 and 0.64628; 1000 Genomes Project 0.65136; TOPMed 0.65260; 1000 Genomes Project 30x 0.65287.
gnomAD v4.1: 98,286 of 151,800 alleles (65%); highest among the groups gnomAD compares: South Asian, 70%; 31,867 homozygotes.

Submissions (2):

GeneDx
Classification: Benign. Last evaluated: 2018-06-14. Review status: criteria provided, single submitter. Criteria: GeneDx Variant Classification (06012015). Collection method: clinical testing. Allele origin: germline. Affected: yes.
Comment: This variant is considered likely benign or benign based on one or more of the following criteria: it is a conservative change, it occurs at a poorly conserved position in the protein, it is predicted to be benign by multiple in silico algorithms, and/or has population frequency not consistent with disease.

Breakthrough Genomics
Classification: Benign. Review status: criteria provided, single submitter. Criteria: ACMG Guidelines, 2015. Collection method: not provided. Allele origin: germline. Inheritance: Autosomal recessive inheritance. Affected: yes.